The following is an entry in ClinVar:

NM_005535.3(IL12RB1):c.225C>T (p.His75=)

Gene: IL12RB1 (interleukin 12 receptor subunit beta 1; minus strand). Cytogenetic location: 19p13.11.
Variant type: single nucleotide variant.
Coding change: c.225C>T on transcript NM_005535.3 (MANE Select); coding-DNA position 225, C replaced by T.
Protein change: p.His75=; no amino-acid change (histidine 75 retained).
Molecular consequence: synonymous variant.
Genome position (GRCh38, 1-based): chr19:18,082,164, G>A on the plus strand (C>T on the coding strand, the complement: IL12RB1 is on the minus strand). VCF-style: chr19-18082164-G-A. GRCh37 (hg19) VCF-style: chr19-18192974-G-A.
Other names: c.225C>T, p.His75= (NM_001290023.2, NM_001440424.1, NM_001440425.1 and 1 more transcripts); c.345C>T, p.His115= (NM_001290024.2, NM_001440426.1, NM_001440427.1).
Identifiers: ClinVar variation 4822513 (VCV004822513.4).
Genomic context (GRCh38, chr19:18,082,164, plus strand): 5'-AGTGGGATGGTGGGTGAGGGTTTGGGAATGGTAGAGGGGTCCTCACCAACACCGCAGGAA[G>A]TGGCTGACCCCAGCTGTGGGACCCTCATACTGCCAGGAGCACTCGTAACGATCACTGGAT-3'
Protein context (NP_005526.1, residues 65-85): QYEGPTAGVS[His75=]FLRCCLSSGR

ClinVar aggregate classification (germline): Likely benign (1 of 4 stars; one submission).

gnomAD v4.1: 5 of 1,609,336 alleles (0.00031%); highest among the groups gnomAD compares: Middle Eastern, 0.017%; no homozygotes.

Submission:

CeGaT Center for Human Genetics Tuebingen
Classification: Likely benign. Last evaluated: 2026-02-01. Review status: criteria provided, single submitter. Criteria: CeGaT Center For Human Genetics Tuebingen Variant Classification Criteria Version 2. Collection method: clinical testing. Allele origin: germline. Affected: yes. Observed: 1 variant allele.
Comment: IL12RB1: BP4, BP7